The following is an entry in ClinVar:

NM_004525.3(LRP2):c.7100A>T (p.Lys2367Ile)

Gene: LRP2 (LDL receptor related protein 2; minus strand). Cytogenetic location: 2q31.1.
Variant type: single nucleotide variant.
Coding change: c.7100A>T on transcript NM_004525.3 (MANE Select); coding-DNA position 7100, A replaced by T.
Protein change: p.Lys2367Ile; replaces lysine 2367 with isoleucine.
Molecular consequence: missense variant.
Genome position (GRCh38, 1-based): chr2:169,206,620, T>A on the plus strand (A>T on the coding strand, the complement: LRP2 is on the minus strand). VCF-style: chr2-169206620-T-A. GRCh37 (hg19) VCF-style: chr2-170063130-T-A.
Other names: short protein forms K2367I.
Identifiers: ClinVar variation 1518726 (VCV001518726.6), dbSNP rs2105333027, ClinGen allele CA349171562.

ClinVar aggregate classification (germline): Uncertain significance (1 of 4 stars; one submission).

Submission:

Labcorp Genetics (formerly Invitae), Labcorp
Classification: Uncertain significance. Last evaluated: 2025-03-17. Review status: criteria provided, single submitter. Criteria: Invitae Variant Classification Sherloc (09022015). Collection method: clinical testing. Allele origin: germline.
Comment: This sequence change replaces lysine, which is basic and polar, with isoleucine, which is neutral and non-polar, at codon 2367 of the LRP2 protein (p.Lys2367Ile). This variant is not present in population databases (gnomAD no frequency). This variant has not been reported in the literature in individuals affected with LRP2-related conditions. ClinVar contains an entry for this variant (Variation ID: 1518726). Invitae Evidence Modeling of protein sequence and biophysical properties (such as structural, functional, and spatial information, amino acid conservation, physicochemical variation, residue mobility, and thermodynamic stability) indicates that this missense variant is not expected to disrupt LRP2 protein function with a negative predictive value of 95%. In summary, the available evidence is currently insufficient to determine the role of this variant in disease. Therefore, it has been classified as a Variant of Uncertain Significance.